The following is an entry in ClinVar:

NM_005591.4(MRE11):c.1273A>G (p.Thr425Ala)

Gene: MRE11 (MRE11 double strand break repair nuclease; minus strand). Cytogenetic location: 11q21.
Variant type: single nucleotide variant.
Coding change: c.1273A>G on transcript NM_005591.4 (MANE Select); coding-DNA position 1273, A replaced by G.
Protein change: p.Thr425Ala; replaces threonine 425 with alanine.
Molecular consequence: missense variant.
Genome position (GRCh38, 1-based): chr11:94,460,989, T>C on the plus strand (A>G on the coding strand, the complement: MRE11 is on the minus strand). VCF-style: chr11-94460989-T-C. GRCh37 (hg19) VCF-style: chr11-94194155-T-C.
Other names: c.1273A>G, p.Thr425Ala (NM_001330347.2, NM_005590.4); short protein forms T425A.
Identifiers: ClinVar variation 2451362 (VCV002451362.2), dbSNP rs1293831035, ClinGen allele CA382372381.

ClinVar aggregate classification (germline): Uncertain significance (1 of 4 stars; one submission).

Conditions:
Hereditary cancer-predisposing syndrome. Also called: Neoplastic Syndromes, Hereditary; Tumor predisposition; Hereditary neoplastic syndrome; Hereditary Cancer Syndrome. Identifiers: Orphanet 140162, MedGen C0027672, MeSH D009386, MONDO:0015356.

gnomAD v4.1: 1 of 1,613,842 alleles (0.000062%); highest among the groups gnomAD compares: East Asian, 0.0022%; no homozygotes.

Submission:

Ambry Genetics
Classification: Uncertain significance for Hereditary cancer-predisposing syndrome. Last evaluated: 2022-12-19. Review status: criteria provided, single submitter. Criteria: Ambry Variant Classification Scheme 2023. Collection method: clinical testing. Allele origin: germline.
Comment: The p.T425A variant (also known as c.1273A>G), located in coding exon 11 of the MRE11A gene, results from an A to G substitution at nucleotide position 1273. The threonine at codon 425 is replaced by alanine, an amino acid with similar properties. This amino acid position is conserved. In addition, this alteration is predicted to be tolerated by in silico analysis. Since supporting evidence is limited at this time, the clinical significance of this alteration remains unclear.